The following is an entry in ClinVar:

ClinVar aggregate classification (germline): Likely benign. Review status: criteria provided, multiple submitters, no conflicts (2 of 4 stars). 4 submissions from 4 submitters: Likely benign (4). Last evaluated 2024-10-30.

Conditions:
AUTS2-related disorder. Also called: AUTS2-related condition.

Allele frequency attached by ClinVar (database versions not stated): gnomAD 0.00001 and 0.00002; gnomAD exomes 0.00001; TOPMed 0.00003.
gnomAD v4.1: 18 of 1,614,068 alleles (0.0011%); highest among the groups gnomAD compares: Admixed American, 0.0067%; no homozygotes.

Submissions (4):

PreventionGenetics, part of Exact Sciences
Classification: Likely benign for AUTS2-related condition. Last evaluated: 2024-10-30. Review status: criteria provided, single submitter. Criteria: ACMG Guidelines, 2015. Collection method: clinical testing. Allele origin: germline.
Comment: This variant is classified as likely benign based on ACMG/AMP sequence variant interpretation guidelines (Richards et al. 2015 PMID: 25741868, with internal and published modifications).

Blueprint Genetics
Classification: Likely benign. Last evaluated: 2024-10-03. Review status: criteria provided, single submitter. Criteria: ACMG Guidelines, 2015. Collection method: clinical testing. Allele origin: germline.

Labcorp Genetics (formerly Invitae), Labcorp
Classification: Likely benign. Last evaluated: 2024-07-24. Review status: criteria provided, single submitter. Criteria: Invitae Variant Classification Sherloc (09022015). Collection method: clinical testing. Allele origin: germline.

GeneDx
Classification: Likely benign. Last evaluated: 2019-08-12. Review status: criteria provided, single submitter. Criteria: GeneDx Variant Classification Process June 2021. Collection method: clinical testing. Allele origin: germline. Affected: yes.

NM_015570.4(AUTS2):c.2037C>T (p.Asp679=)

Gene: AUTS2 (activator of transcription and developmental regulator AUTS2; plus strand). Cytogenetic location: 7q11.22.
Variant type: single nucleotide variant.
Coding change: c.2037C>T on transcript NM_015570.4 (MANE Select); coding-DNA position 2037, C replaced by T.
Protein change: p.Asp679=; no amino-acid change (aspartic acid 679 retained).
Molecular consequence: synonymous variant.
Genome position (GRCh38, 1-based): chr7:70,781,647, C>T. VCF-style: chr7-70781647-C-T. GRCh37 (hg19) VCF-style: chr7-70246633-C-T.
Other names: c.1965C>T, p.Asp655= (NM_001127231.3); c.2037C>T (NM_015570.3).
Identifiers: ClinVar variation 1223684 (VCV001223684.8), dbSNP rs1028085743, ClinGen allele CA160006336.